The following is an entry in ClinVar:

ClinVar aggregate classification (germline): Uncertain significance (1 of 4 stars; one submission).

Allele frequency attached by ClinVar (database versions not stated): ExAC 0.00001.
gnomAD v4.1: 10 of 1,614,032 alleles (0.00062%); highest among the groups gnomAD compares: South Asian, 0.0011%; no homozygotes.

Submission:

Labcorp Genetics (formerly Invitae), Labcorp
Classification: Uncertain significance. Last evaluated: 2022-08-09. Review status: criteria provided, single submitter. Criteria: Invitae Variant Classification Sherloc (09022015). Collection method: clinical testing. Allele origin: germline.
Comment: This sequence change replaces aspartic acid, which is acidic and polar, with glutamic acid, which is acidic and polar, at codon 273 of the PPCS protein (p.Asp273Glu). This variant is present in population databases (rs753362802, gnomAD 0.003%). This variant has not been reported in the literature in individuals affected with PPCS-related conditions. Algorithms developed to predict the effect of missense changes on protein structure and function output the following: SIFT: "Tolerated"; PolyPhen-2: "Benign"; Align-GVGD: "Class C0". The glutamic acid amino acid residue is found in multiple mammalian species, which suggests that this missense change does not adversely affect protein function. In summary, the available evidence is currently insufficient to determine the role of this variant in disease. Therefore, it has been classified as a Variant of Uncertain Significance.

NM_024664.4(PPCS):c.819C>G (p.Asp273Glu)

Genes: PPCS (phosphopantothenoylcysteine synthetase; plus strand), CCDC30 (coiled-coil domain containing 30; plus strand). Cytogenetic location: 1p34.2.
Variant type: single nucleotide variant.
Coding change: c.819C>G on transcript NM_024664.4 (MANE Select); coding-DNA position 819, C replaced by G.
Protein change: p.Asp273Glu; replaces aspartic acid 273 with glutamic acid.
Molecular consequence: missense variant. On other transcripts: intron variant (2).
Genome position (GRCh38, 1-based): chr1:42,459,809, C>G. VCF-style: chr1-42459809-C-G. GRCh37 (hg19) VCF-style: chr1-42925480-C-G.
Other names: c.300C>G, p.Asp100Glu (NM_001077447.3, NM_001287506.1, NM_001287508.2 and 2 more transcripts); c.201C>G, p.Asp67Glu (NM_001287507.1); c.-880+2459C>G (NM_001355226.2); c.612+2459C>G (NM_001287511.2); short protein forms D100E, D273E, D67E.
Identifiers: ClinVar variation 1901977 (VCV001901977.4), dbSNP rs753362802, ClinGen allele CA800079.